The following is an entry in ClinVar:

ClinVar aggregate classification (germline): Likely benign (1 of 4 stars; one submission).

Conditions:
EP300-related disorder. Also called: EP300-related condition; EP300-related disorders.

Submission:

PreventionGenetics, part of Exact Sciences
Classification: Likely benign for EP300-related condition. Last evaluated: 2026-09-18. Review status: criteria provided, single submitter. Criteria: ACMG Guidelines, 2015. Collection method: clinical testing. Allele origin: germline.
Comment: This variant is classified as likely benign based on ACMG/AMP sequence variant interpretation guidelines (Richards et al. 2015 PMID: 25741868, with internal and published modifications).

NM_001429.4(EP300):c.4815T>C (p.Ala1605=)

Gene: EP300 (EP300 lysine acetyltransferase; plus strand). Cytogenetic location: 22q13.2.
Variant type: single nucleotide variant.
Coding change: c.4815T>C on transcript NM_001429.4 (MANE Select); coding-DNA position 4815, T replaced by C.
Protein change: p.Ala1605=; no amino-acid change (alanine 1605 retained).
Molecular consequence: synonymous variant.
Genome position (GRCh38, 1-based): chr22:41,176,282, T>C. VCF-style: chr22-41176282-T-C. GRCh37 (hg19) VCF-style: chr22-41572286-T-C.
Other names: c.4737T>C, p.Ala1579= (NM_001362843.2).
Identifiers: ClinVar variation 4996477 (VCV004996477.1).
Genomic context (GRCh38, chr22:41,176,282, plus strand): 5'-AAAAAAGAGACTGTCTGTTTTTCAGGTCTTCTTTGTGATCCGCCTCATTGCTGGCCCTGC[T>C]GCCAACTCCCTGCCTCCCATTGTTGATCCTGATCCTCTCATCCCCTGCGATCTGATGGAT-3'
Protein context (NP_001420.2, residues 1595-1615): FFVIRLIAGP[Ala1605=]ANSLPPIVDP